The following is an entry in ClinVar:

NM_001365536.1(SCN9A):c.3032T>C (p.Leu1011Pro)

Genes: SCN9A (sodium voltage-gated channel alpha subunit 9; minus strand), SCN1A-AS1 (SCN1A and SCN9A antisense RNA 1; plus strand). Cytogenetic location: 2q24.3.
Variant type: single nucleotide variant.
Coding change: c.3032T>C on transcript NM_001365536.1 (MANE Select); coding-DNA position 3032, T replaced by C.
Protein change: p.Leu1011Pro; replaces leucine 1011 with proline.
Molecular consequence: missense variant.
Genome position (GRCh38, 1-based): chr2:166,272,718, A>G on the plus strand (T>C on the coding strand, the complement: SCN9A is on the minus strand). VCF-style: chr2-166272718-A-G. GRCh37 (hg19) VCF-style: chr2-167129228-A-G.
Other names: c.2999T>C, p.Leu1000Pro (NM_002977.4); short protein forms L1011P, L1000P.
Identifiers: ClinVar variation 1481157 (VCV001481157.6), dbSNP rs1011788385, ClinGen allele CA59791717.
Genomic context (GRCh38, chr2:166,272,718, plus strand): 5'-TTCAGATCTTCTGCTTGTCTTATCTCCCTGGAAATCTTTGGCTTTTTGGAAAATGCTTTT[A>G]GAATAAATTCACGTAAGGTTTGTTTCACATAATTTATTCCCTTTTTAATTCTAGTCACTG-3'
Protein context (NP_001352465.1, residues 1001-1021): YVKQTLREFI[Leu1011Pro]KAFSKKPKIS

ClinVar aggregate classification (germline): Uncertain significance (1 of 4 stars; one submission).

Conditions:
Generalized epilepsy with febrile seizures plus, type 7 (GEFSP7). Also called: GEFS+, TYPE 7. Identifiers: Orphanet 36387, MedGen C2751778, MONDO:0013470, OMIM 613863.
Neuropathy, hereditary sensory and autonomic, type 2A (HSAN2A). Also called: HSAN IIA; WNK1-Related HSAN2 (HSAN2A); MORVAN DISEASE; NEUROPATHY, CONGENITAL SENSORY; NEUROPATHY, HEREDITARY SENSORY RADICULAR, AUTOSOMAL RECESSIVE; NEUROPATHY, HEREDITARY SENSORY, TYPE IIA. Identifiers: Orphanet 970, MedGen C2752089, MONDO:0024309, OMIM 201300.

Submission:

Labcorp Genetics (formerly Invitae), Labcorp
Classification: Uncertain significance for Neuropathy, hereditary sensory and autonomic, type 2A; Generalized epilepsy with febrile seizures plus, type 7. Last evaluated: 2021-11-10. Review status: criteria provided, single submitter. Criteria: Invitae Variant Classification Sherloc (09022015). Collection method: clinical testing. Allele origin: germline.
Comment: This sequence change replaces leucine, which is neutral and non-polar, with proline, which is neutral and non-polar, at codon 1000 of the SCN9A protein (p.Leu1000Pro). This variant is not present in population databases (gnomAD no frequency). This variant has not been reported in the literature in individuals affected with SCN9A-related conditions. Algorithms developed to predict the effect of missense changes on protein structure and function are either unavailable or do not agree on the potential impact of this missense change (SIFT: "Tolerated"; PolyPhen-2: "Possibly Damaging"; Align-GVGD: "Class C0"). In summary, the available evidence is currently insufficient to determine the role of this variant in disease. Therefore, it has been classified as a Variant of Uncertain Significance.